The following is an entry in ClinVar:

NM_001378615.1(CC2D2A):c.4675-1G>C

Genes: CC2D2A (coiled-coil and C2 domain containing 2A; plus strand), FBXL5 (F-box and leucine rich repeat protein 5; minus strand). Cytogenetic location: 4p15.32.
Variant type: single nucleotide variant.
Coding change: c.4675-1G>C on transcript NM_001378615.1 (MANE Select); the canonical splice acceptor site of the intron before coding-DNA position 4675, G replaced by C.
Molecular consequence: splice acceptor variant.
Genome position (GRCh38, 1-based): chr4:15,601,236, G>C. VCF-style: chr4-15601236-G-C. GRCh37 (hg19) VCF-style: chr4-15602859-G-C.
Other names: c.4675-1G>C (NM_001080522.2); c.4528-1G>C (NM_001378617.1).
Identifiers: ClinVar variation 1044624 (VCV001044624.9), dbSNP rs764806176, ClinGen allele CA2864455.

ClinVar aggregate classification (germline): Pathogenic/Likely pathogenic. Review status: criteria provided, multiple submitters, no conflicts (2 of 4 stars). 3 submissions from 3 submitters: Pathogenic (1); Likely pathogenic (2). Last evaluated 2026-02-23.

Conditions:
CC2D2A-related disorder. Also called: CC2D2A-related condition; CC2D2A-related disorders. Identifiers: MedGen CN239313.
Joubert syndrome. Also called: JOUBERT-BOLTSHAUSER SYNDROME; Familial aplasia of the vermis. Identifiers: Orphanet 475, MedGen C5979921, MONDO:0018772.
Meckel-Gruber syndrome. Also called: Dysencephalia splachnocystica; DYSENCEPHALIA SPLANCHNOCYSTICA; GRUBER SYNDROME. Identifiers: Orphanet 564, MedGen C0265215, MONDO:0018921.
Meckel syndrome, type 6. Identifiers: Orphanet 564, MedGen C2676790, MONDO:0012848, OMIM 612284.

Allele frequency attached by ClinVar (database versions not stated): gnomAD exomes below 0.00001 and 0.00001; TOPMed below 0.00001; ExAC 0.00001; gnomAD 0.00001.
gnomAD v4.1: 5 of 1,610,910 alleles (0.00031%); highest among the groups gnomAD compares: Non-Finnish European, 0.00042%; no homozygotes.

Submissions (3):

Synevo Romania
Classification: Pathogenic for Meckel syndrome, type 6. Last evaluated: 2026-02-23. Review status: criteria provided, single submitter. Criteria: ACMG Guidelines, 2015. Collection method: clinical testing. Allele origin: unknown. Inheritance: Autosomal recessive inheritance. Observed: 1 variant allele, 1 homozygote.
Comment: The CC2D2A:c.4675-1G>C p.? is a variation of the canonical acceptor splice site of the last exon of the gene. The predicted effect is inclusion of intronic sequences in the final transcript or a premature stop at the penultimate exon. Either alteration is predicted damaging as the last exon codes for approximatelly half of the critical hotspot CEP76_C domain where multiple missense pathogenic variants have been assessed. There are no published functional studies available for a conclussive evaluation of this variant and its effect. It is observed in aproximatelly 0.0004% of the european non-Finnish cohort of gnomAD v4. So far no patient has been reported with this variant. Based on this evidence the variant is classified class 5, Pathogenic, based on ACMG/ACGS updated guidelines.

Labcorp Genetics (formerly Invitae), Labcorp
Classification: Likely pathogenic for Joubert syndrome; Meckel-Gruber syndrome. Last evaluated: 2025-05-12. Review status: criteria provided, single submitter. Criteria: Invitae Variant Classification Sherloc (09022015). Collection method: clinical testing. Allele origin: germline.
Comment: This sequence change affects an acceptor splice site in intron 37 of the CC2D2A gene. While this variant is not anticipated to result in nonsense mediated decay, it likely alters RNA splicing and results in a disrupted protein product. This variant is present in population databases (rs764806176, gnomAD 0.003%). Disruption of this splice site has been observed in individual(s) with clinical features of Joubert syndrome (internal data). ClinVar contains an entry for this variant (Variation ID: 1044624). Variants that disrupt the consensus splice site are a relatively common cause of aberrant splicing (PMID: 17576681, 9536098). Algorithms developed to predict the effect of sequence changes on RNA splicing suggest that this variant may disrupt the consensus splice site. In summary, the currently available evidence indicates that the variant is pathogenic, but additional data are needed to prove that conclusively. Therefore, this variant has been classified as Likely Pathogenic.

Blueprint Genetics
Classification: Likely pathogenic for CC2D2A-related disorders. Last evaluated: 2024-05-09. Review status: criteria provided, single submitter. Criteria: ACMG Guidelines, 2015. Collection method: clinical testing. Allele origin: germline. Affected: yes. Observed: 5 variant alleles.

Literature cited by the submitters: PubMed 17576681 (cited by Labcorp Genetics (formerly Invitae), Labcorp); PubMed 9536098 (cited by Labcorp Genetics (formerly Invitae), Labcorp).